The following is an entry in ClinVar:

NM_001267550.2(TTN):c.33654A>G (p.Pro11218=)

Gene: TTN (titin; minus strand). Cytogenetic location: 2q31.2.
Variant type: single nucleotide variant.
Coding change: c.33654A>G on transcript NM_001267550.2 (MANE Select); coding-DNA position 33654, A replaced by G.
Protein change: p.Pro11218=; no amino-acid change (proline 11218 retained).
Molecular consequence: synonymous variant. On other transcripts: intron variant (3).
Genome position (GRCh38, 1-based): chr2:178,679,609, T>C on the plus strand (A>G on the coding strand, the complement: TTN is on the minus strand). VCF-style: chr2-178679609-T-C. GRCh37 (hg19) VCF-style: chr2-179544336-T-C.
Other names: c.32703A>G, p.Pro10901= (NM_001256850.1); c.29922A>G, p.Pro9974= (NM_133378.4); c.13283-37292A>G (NM_003319.4); c.13859-37292A>G (NM_133437.4); c.13658-37292A>G (NM_133432.3).
Identifiers: ClinVar variation 1672964 (VCV001672964.9), dbSNP rs761294793, ClinGen allele CA60982936.

ClinVar aggregate classification (germline): Likely benign. Review status: criteria provided, multiple submitters, no conflicts (2 of 4 stars). 2 submissions from 2 submitters: Likely benign (2). Last evaluated 2026-05-09.

Conditions:
TTN-related disorder. Also called: TTN-related disorders; TTN-related condition; TTN-related disease.
Autosomal recessive limb-girdle muscular dystrophy type 2J (LGMDR10). Also called: MUSCULAR DYSTROPHY, LIMB-GIRDLE, AUTOSOMAL RECESSIVE 10; Limb-girdle muscular dystrophy, type 2J. Identifiers: Orphanet 140922, MedGen C1837342, MONDO:0012127, OMIM 608807.
Dilated cardiomyopathy 1G (CMD1G). Identifiers: Orphanet 154, MedGen C1858763, MONDO:0011400, OMIM 604145.

Allele frequency attached by ClinVar (database versions not stated): TOPMed 0.00001; gnomAD 0.00002; gnomAD exomes 0.00002 and 0.00004.

Submissions (2):

PreventionGenetics, part of Exact Sciences
Classification: Likely benign for TTN-related condition. Last evaluated: 2026-05-09. Review status: criteria provided, single submitter. Criteria: ACMG Guidelines, 2015. Collection method: clinical testing. Allele origin: germline.
Comment: This variant is classified as likely benign based on ACMG/AMP sequence variant interpretation guidelines (Richards et al. 2015 PMID: 25741868, with internal and published modifications).

Labcorp Genetics (formerly Invitae), Labcorp
Classification: Likely benign for Dilated cardiomyopathy 1G; Autosomal recessive limb-girdle muscular dystrophy type 2J. Last evaluated: 2025-12-28. Review status: criteria provided, single submitter. Criteria: Invitae Variant Classification Sherloc (09022015). Collection method: clinical testing. Allele origin: germline.